The following is an entry in ClinVar:

ClinVar aggregate classification (germline): Uncertain significance (1 of 4 stars; one submission).

Conditions:
Singleton-Merten syndrome 1 (SGMRT1). Also called: Widened medullary cavities of bone, aortic calcification, abnormal dentition, and muscular weakness; Syndrome of widened medullary cavities of the metacarpals and phalanges, aortic calcification and abnormal dentition. Identifiers: Orphanet 85191, MedGen C4225427, MONDO:0024535, OMIM 182250.
Aicardi-Goutieres syndrome 7 (AGS7). Identifiers: Orphanet 51, MedGen C3888244, MONDO:0014367, OMIM 615846.

Submission:

Labcorp Genetics (formerly Invitae), Labcorp
Classification: Uncertain significance for Aicardi-Goutieres syndrome 7; Singleton-Merten syndrome 1. Last evaluated: 2024-08-13. Review status: criteria provided, single submitter. Criteria: Invitae Variant Classification Sherloc (09022015). Collection method: clinical testing. Allele origin: germline.
Comment: This sequence change replaces tryptophan, which is neutral and slightly polar, with serine, which is neutral and polar, at codon 384 of the IFIH1 protein (p.Trp384Ser). This variant is not present in population databases (gnomAD no frequency). This variant has not been reported in the literature in individuals affected with IFIH1-related conditions. ClinVar contains an entry for this variant (Variation ID: 1388871). An algorithm developed to predict the effect of missense changes on protein structure and function outputs the following: PolyPhen-2: "Benign". The serine amino acid residue is found in multiple mammalian species, which suggests that this missense change does not adversely affect protein function. In summary, the available evidence is currently insufficient to determine the role of this variant in disease. Therefore, it has been classified as a Variant of Uncertain Significance.

NM_022168.4(IFIH1):c.1151G>C (p.Trp384Ser)

Gene: IFIH1 (interferon induced with helicase C domain 1; minus strand). Cytogenetic location: 2q24.2.
Variant type: single nucleotide variant.
Coding change: c.1151G>C on transcript NM_022168.4 (MANE Select); coding-DNA position 1151, G replaced by C.
Protein change: p.Trp384Ser; replaces tryptophan 384 with serine.
Molecular consequence: missense variant.
Genome position (GRCh38, 1-based): chr2:162,282,521, C>G on the plus strand (G>C on the coding strand, the complement: IFIH1 is on the minus strand). VCF-style: chr2-162282521-C-G. GRCh37 (hg19) VCF-style: chr2-163139031-C-G.
Other names: short protein forms W384S.
Identifiers: ClinVar variation 1388871 (VCV001388871.6), dbSNP rs752544919, ClinGen allele CA349003000.
Genomic context (GRCh38, chr2:162,282,521, plus strand): 5'-ACAACTTCTGGAAATGATATTTTCAGTTGGGTATCACCACTTAATCCAATAACACGATAC[C>G]ATTTCTTCAAAAATGGTTGGAACTCCTTGCGGAAGAGCTGTTCAACTAGCAGTACCTTAA-3'
Protein context (NP_071451.2, residues 374-394): RKEFQPFLKK[Trp384Ser]YRVIGLSGDT